The following is an entry in ClinVar:

ClinVar aggregate classification (germline): Pathogenic (1 of 4 stars; one submission).

Conditions:
Inborn genetic diseases. Identifiers: MedGen C0950123, MeSH D030342.

Submission:

Ambry Genetics
Classification: Pathogenic for Inborn genetic diseases. Last evaluated: 2020-10-22. Review status: criteria provided, single submitter. Criteria: Ambry Variant Classification Scheme 2023. Collection method: clinical testing. Allele origin: germline.
Comment: The c.2077C>T (p.Q693*) alteration, located in exon 17 (coding exon 17) of the NAA15 gene, consists of a C to T substitution at nucleotide position 2077. This changes the amino acid from a glutamine (Q) to a stop codon at amino acid position 693. This alteration is expected to result in loss of function by premature protein truncation or nonsense-mediated mRNA decay. Based on the available evidence, this alteration is classified as pathogenic.

NM_057175.5(NAA15):c.2077C>T (p.Gln693Ter)

Gene: NAA15 (N-alpha-acetyltransferase 15, NatA auxiliary subunit; plus strand). Cytogenetic location: 4q31.1.
Variant type: single nucleotide variant.
Coding change: c.2077C>T on transcript NM_057175.5 (MANE Select); coding-DNA position 2077, C replaced by T.
Protein change: p.Gln693Ter; replaces glutamine 693 with a stop codon.
Molecular consequence: nonsense.
Genome position (GRCh38, 1-based): chr4:139,378,776, C>T. VCF-style: chr4-139378776-C-T. GRCh37 (hg19) VCF-style: chr4-140299930-C-T.
Other names: c.2077C>T, p.Gln693Ter (NM_001410842.1); c.*486C>T (NM_025085.2); short protein forms Q693*.
Identifiers: ClinVar variation 2227689 (VCV002227689.2), dbSNP rs2530464633, ClinGen allele CA358270250.